The following is an entry in ClinVar:

ClinVar aggregate classification (germline): Uncertain significance (1 of 4 stars; one submission).

gnomAD v4.1: 1 of 1,614,192 alleles (0.000062%); highest among the groups gnomAD compares: Non-Finnish European, 0.000085%; no homozygotes.

Submission:

Labcorp Genetics (formerly Invitae), Labcorp
Classification: Uncertain significance. Last evaluated: 2025-06-10. Review status: criteria provided, single submitter. Criteria: Invitae Variant Classification Sherloc (09022015). Collection method: clinical testing. Allele origin: germline.
Comment: This sequence change replaces serine, which is neutral and polar, with tyrosine, which is neutral and polar, at codon 291 of the ALPK3 protein (p.Ser291Tyr). This variant is not present in population databases (gnomAD no frequency). This variant has not been reported in the literature in individuals affected with ALPK3-related conditions. An algorithm developed to predict the effect of missense changes on protein structure and function (PolyPhen-2) suggests that this variant is likely to be disruptive. In summary, the available evidence is currently insufficient to determine the role of this variant in disease. Therefore, it has been classified as a Variant of Uncertain Significance.

NM_020778.5(ALPK3):c.266C>A (p.Ser89Tyr)

Gene: ALPK3 (alpha kinase 3; plus strand). Cytogenetic location: 15q25.3.
Variant type: single nucleotide variant.
Coding change: c.266C>A on transcript NM_020778.5 (MANE Select); coding-DNA position 266, C replaced by A.
Protein change: p.Ser89Tyr; replaces serine 89 with tyrosine.
Molecular consequence: missense variant.
Genome position (GRCh38, 1-based): chr15:84,827,567, C>A. VCF-style: chr15-84827567-C-A. GRCh37 (hg19) VCF-style: chr15-85370798-C-A.
Other names: short protein forms S89Y.
Identifiers: ClinVar variation 4710399 (VCV004710399.1).